The following is an entry in ClinVar:

ClinVar aggregate classification (germline): Uncertain significance. Review status: criteria provided, multiple submitters, no conflicts (2 of 4 stars). 2 submissions from 2 submitters: Uncertain significance (2). Last evaluated 2026-04-14.

Conditions:
Cardiovascular phenotype. Identifiers: MedGen CN230736.
Familial hypercholesterolemia. Also called: Familial hypercholesterolemias; Familial hypercholesterolaemia. Identifiers: MedGen C0020445, MONDO:0005439.

Allele frequency attached by ClinVar (database versions not stated): 1000 Genomes Project 30x 0.00016.

Submissions (2):

Cambridge Genomics Laboratory, East Genomic Laboratory Hub, NHS Genomic Medicine Service
Classification: Uncertain significance for Familial hypercholesterolaemia. Last evaluated: 2026-04-14. Review status: criteria provided, single submitter. Criteria: ACGS Best Practice Guidelines for Variant Classification in Rare Disease 2020. Collection method: clinical testing. Allele origin: germline. Affected: yes.
Comment: PM2,PP4,BP4

Ambry Genetics
Classification: Uncertain significance for Cardiovascular phenotype. Last evaluated: 2020-09-18. Review status: criteria provided, single submitter. Criteria: Ambry Variant Classification Scheme 2023. Collection method: clinical testing. Allele origin: germline.
Comment: The p.W22S variant (also known as c.65G>C), located in coding exon 1 of the LDLRAP1 gene, results from a G to C substitution at nucleotide position 65. The tryptophan at codon 22 is replaced by serine, an amino acid with highly dissimilar properties. This variant has been detected in a myocardial infarction cohort; however, details were not provided (Lee C et al. Lipids Health Dis, 2019 Apr;18:95). This amino acid position is well conserved in available vertebrate species; however, serine is the reference amino acid in other vertebrate species. In addition, this alteration is predicted to be tolerated by in silico analysis. Since supporting evidence is limited at this time, the clinical significance of this alteration remains unclear.

Literature cited by the submitters: PubMed 30971288 (cited by Ambry Genetics).

NM_015627.3(LDLRAP1):c.65G>C (p.Trp22Ser)

Genes: LDLRAP1 (low density lipoprotein receptor adaptor protein 1; plus strand), LOC129929773 (ATAC-STARR-seq lymphoblastoid silent region 456; plus strand). Cytogenetic location: 1p36.11.
Variant type: single nucleotide variant.
Coding change: c.65G>C on transcript NM_015627.3 (MANE Select); coding-DNA position 65, G replaced by C.
Protein change: p.Trp22Ser; replaces tryptophan 22 with serine.
Molecular consequence: missense variant.
Genome position (GRCh38, 1-based): chr1:25,543,763, G>C. VCF-style: chr1-25543763-G-C. GRCh37 (hg19) VCF-style: chr1-25870254-G-C.
Other names: short protein forms W22S.
Identifiers: ClinVar variation 1754413 (VCV001754413.3), dbSNP rs121908324, ClinGen allele CA19669459.